The following is an entry in ClinVar:

NM_004990.4(MARS1):c.985C>A (p.Pro329Thr)

Gene: MARS1 (methionyl-tRNA synthetase 1; plus strand). Cytogenetic location: 12q13.3.
Variant type: single nucleotide variant.
Coding change: c.985C>A on transcript NM_004990.4 (MANE Select); coding-DNA position 985, C replaced by A.
Protein change: p.Pro329Thr; replaces proline 329 with threonine.
Molecular consequence: missense variant.
Genome position (GRCh38, 1-based): chr12:57,498,517, C>A. VCF-style: chr12-57498517-C-A. GRCh37 (hg19) VCF-style: chr12-57892300-C-A.
Other names: short protein forms P329T.
Identifiers: ClinVar variation 932116 (VCV000932116.3), dbSNP rs1876753716, ClinGen allele CA385455755.

ClinVar aggregate classification (germline): Uncertain significance (1 of 4 stars; one submission).

Allele frequency attached by ClinVar (database versions not stated): gnomAD 0.00001.

Submission:

Centre for Mendelian Genomics, University Medical Centre Ljubljana
Classification: Uncertain significance. Last evaluated: 2019-05-30. Review status: criteria provided, single submitter. Criteria: ACMG Guidelines, 2015. Collection method: clinical testing. Allele origin: unknown. Affected: yes.
Comment: This variant was classified as: Uncertain significance. The available evidence favors the pathogenic nature of this variant, however the currently available data is insufficient to conclusively support its pathogenic nature. Thus this variant is classified as Uncertain significance - favor pathogenic. The following ACMG criteria were applied in classifying this variant: PM2,PP3.